The following is an entry in ClinVar:

NM_000059.4(BRCA2):c.9118-10T>C

Gene: BRCA2 (BRCA2 DNA repair associated; plus strand). Cytogenetic location: 13q13.1.
Variant type: single nucleotide variant.
Coding change: c.9118-10T>C on transcript NM_000059.4 (MANE Select); 10 bases into the intron before coding-DNA position 9118, T replaced by C.
Molecular consequence: intron variant.
Genome position (GRCh38, 1-based): chr13:32,379,997, T>C. VCF-style: chr13-32379997-T-C. GRCh37 (hg19) VCF-style: chr13-32954134-T-C.
Identifiers: ClinVar variation 380858 (VCV000380858.13), dbSNP rs759511200, ClinGen allele CA6941344.

ClinVar aggregate classification (germline): Benign/Likely benign. Review status: criteria provided, multiple submitters, no conflicts (2 of 4 stars). 4 submissions from 4 submitters: Benign (1); Likely benign (3). Last evaluated 2026-04-02.

Conditions:
Hereditary cancer-predisposing syndrome. Also called: Hereditary Cancer Syndrome; Neoplastic Syndromes, Hereditary; Hereditary neoplastic syndrome; Tumor predisposition. Identifiers: Orphanet 140162, MedGen C0027672, MeSH D009386, MONDO:0015356.
Hereditary breast ovarian cancer syndrome. Also called: Hereditary breast and ovarian cancer syndrome; Breast and ovarian cancer; Hereditary breast and ovarian cancer; Hereditary breast and ovarian cancer syndrome (HBOC); BRCA1- and BRCA2-Associated Hereditary Breast and Ovarian Cancer; Hereditary breast and/or ovarian cancer syndrome. Identifiers: Orphanet 145, MedGen C0677776, MeSH D061325, MONDO:0003582. Disease mechanism: loss of function.
Breast-ovarian cancer, familial, susceptibility to, 2 (BROVCA2). Also called: BRCA2 Hereditary Breast and Ovarian Cancer. Identifiers: Orphanet 145, MedGen C2675520, MONDO:0012933, OMIM 612555. Disease mechanism: loss of function.

Allele frequency attached by ClinVar (database versions not stated): gnomAD exomes below 0.00001; ExAC 0.00001.
gnomAD v4.1: 2 of 1,614,002 alleles (0.00012%); highest among the groups gnomAD compares: Non-Finnish European, 0.00017%; no homozygotes.

Submissions (4):

Myriad Genetics, Inc.
Classification: Benign for Breast-ovarian cancer, familial, susceptibility to, 2. Last evaluated: 2026-04-02. Review status: criteria provided, single submitter. Criteria: Myriad Autosomal Dominant, Autosomal Recessive and X-Linked Classification Criteria (2023). Collection method: clinical testing. Allele origin: unknown.
Comment: This variant is considered benign. This variant is intronic and is not expected to impact mRNA splicing. This variant is strongly associated with less severe personal and family histories of cancer, typical for individuals without pathogenic variants in this gene [PMID: 25085752].

Labcorp Genetics (formerly Invitae), Labcorp
Classification: Likely benign for Hereditary breast ovarian cancer syndrome. Last evaluated: 2024-12-18. Review status: criteria provided, single submitter. Criteria: Invitae Variant Classification Sherloc (09022015). Collection method: clinical testing. Allele origin: germline.

GeneDx
Classification: Likely benign. Last evaluated: 2017-07-24. Review status: criteria provided, single submitter. Criteria: GeneDx Variant Classification (06012015). Collection method: clinical testing. Allele origin: germline. Affected: yes.
Comment: This variant is considered likely benign or benign based on one or more of the following criteria: it is a conservative change, it occurs at a poorly conserved position in the protein, it is predicted to be benign by multiple in silico algorithms, and/or has population frequency not consistent with disease.

Color Diagnostics, LLC DBA Color Health
Classification: Likely benign for Hereditary cancer-predisposing syndrome. Last evaluated: 2017-05-22. Review status: criteria provided, single submitter. Criteria: ACMG Guidelines, 2015. Collection method: clinical testing. Allele origin: germline.

Literature cited by the submitters: PubMed 25085752 (cited by Myriad Genetics, Inc.).